The following is an entry in ClinVar:

ClinVar aggregate classification (germline): Conflicting classifications of pathogenicity. Review status: criteria provided, conflicting classifications (1 of 4 stars). 3 submissions from 3 submitters: Uncertain significance (1); Likely benign (1). 1 of the submissions does not count toward it. Last evaluated 2024-03-24.

Conditions:
Pyruvate carboxylase deficiency. Also called: ATAXIA WITH LACTIC ACIDOSIS II; Pyruvate Carboxylase Deficiency Disease; LEIGH NECROTIZING ENCEPHALOPATHY DUE TO PYRUVATE CARBOXYLASE DEFICIENCY; LEIGH SYNDROME DUE TO PYRUVATE CARBOXYLASE DEFICIENCY; PC DEFICIENCY. Identifiers: Orphanet 3008, MedGen C0034341, MONDO:0009949, OMIM 266150.
PC-related disorder. Also called: PC-related condition.

Allele frequency attached by ClinVar (database versions not stated): gnomAD 0.00003; TOPMed 0.00003; gnomAD exomes 0.00004 and 0.00007; ExAC 0.00009.
gnomAD v4.1: 70 of 1,573,702 alleles (0.0044%); highest among the groups gnomAD compares: East Asian, 0.018%; no homozygotes.

Submissions (3):

Labcorp Genetics (formerly Invitae), Labcorp
Classification: Likely benign for Pyruvate carboxylase deficiency. Last evaluated: 2024-03-24. Review status: criteria provided, single submitter. Criteria: Invitae Variant Classification Sherloc (09022015). Collection method: clinical testing. Allele origin: germline.

Illumina Laboratory Services, Illumina
Classification: Uncertain significance for Pyruvate carboxylase deficiency. Last evaluated: 2018-01-13. Review status: criteria provided, single submitter. Criteria: ICSL Variant Classification Criteria 13 December 2019. Collection method: clinical testing. Allele origin: germline.

PreventionGenetics, part of Exact Sciences
Classification: Likely benign for PC-related condition. Last evaluated: 2024-05-24. Review status: no assertion criteria provided. Collection method: clinical testing. Allele origin: germline. Not counted in ClinVar's aggregate classification.
Comment: This variant is classified as likely benign based on ACMG/AMP sequence variant interpretation guidelines (Richards et al. 2015 PMID: 25741868, with internal and published modifications).

NM_001040716.2(PC):c.1530C>T (p.Asn510=)

Gene: PC (pyruvate carboxylase; minus strand). Cytogenetic location: 11q13.2.
Variant type: single nucleotide variant.
Coding change: c.1530C>T on transcript NM_001040716.2 (MANE Select); coding-DNA position 1530, C replaced by T.
Protein change: p.Asn510=; no amino-acid change (asparagine 510 retained).
Molecular consequence: synonymous variant.
Genome position (GRCh38, 1-based): chr11:66,852,820, G>A on the plus strand (C>T on the coding strand, the complement: PC is on the minus strand). VCF-style: chr11-66852820-G-A. GRCh37 (hg19) VCF-style: chr11-66620291-G-A.
Other names: c.1530C>T, p.Asn510= (NM_000920.4, NM_022172.3); c.1530C>T (NM_001040716.1).
Identifiers: ClinVar variation 743393 (VCV000743393.16), dbSNP rs755162836, ClinGen allele CA6131343.